The following is an entry in ClinVar:

ClinVar aggregate classification (germline): Likely benign. Review status: criteria provided, multiple submitters, no conflicts (2 of 4 stars). 2 submissions from 2 submitters: Likely benign (2). Last evaluated 2026-02-01.

Allele frequency attached by ClinVar (database versions not stated): gnomAD exomes 0.00002 and 0.00004; ExAC 0.00006; gnomAD 0.00008; TOPMed 0.00009; ESP Exome Variant Server 0.00015; 1000 Genomes Project 30x 0.00016; 1000 Genomes Project 0.00020.
gnomAD v4.1: 36 of 1,613,094 alleles (0.0022%); highest among the groups gnomAD compares: African/African-American, 0.028%; no homozygotes.

Submissions (2):

CeGaT Center for Human Genetics Tuebingen
Classification: Likely benign. Last evaluated: 2026-02-01. Review status: criteria provided, single submitter. Criteria: CeGaT Center For Human Genetics Tuebingen Variant Classification Criteria Version 2. Collection method: clinical testing. Allele origin: germline. Affected: yes. Observed: 1 variant allele.
Comment: FLT4: BP4, BP7

PreventionGenetics, part of Exact Sciences
Classification: Likely benign. Review status: criteria provided, single submitter. Criteria: ACMG Guidelines, 2015. Collection method: clinical testing. Allele origin: germline.

NM_182925.5(FLT4):c.1815G>A (p.Pro605=)

Gene: FLT4 (fms related receptor tyrosine kinase 4; minus strand). Cytogenetic location: 5q35.3.
Variant type: single nucleotide variant.
Coding change: c.1815G>A on transcript NM_182925.5 (MANE Select); coding-DNA position 1815, G replaced by A.
Protein change: p.Pro605=; no amino-acid change (proline 605 retained).
Molecular consequence: synonymous variant.
Genome position (GRCh38, 1-based): chr5:180,621,747, C>T on the plus strand (G>A on the coding strand, the complement: FLT4 is on the minus strand). VCF-style: chr5-180621747-C-T. GRCh37 (hg19) VCF-style: chr5-180048747-C-T.
Other names: c.1815G>A, p.Pro605= (NM_001354989.2, NM_002020.5).
Identifiers: ClinVar variation 263031 (VCV000263031.6), dbSNP rs368166608, ClinGen allele CA3606591.